The following is an entry in ClinVar:

ClinVar aggregate classification (germline): Likely benign. Review status: criteria provided, multiple submitters, no conflicts (2 of 4 stars). 2 submissions from 2 submitters: Likely benign (2). Last evaluated 2025-11-02.

Conditions:
BICC1-related disorder. Also called: BICC1-related condition.

Allele frequency attached by ClinVar (database versions not stated): 1000 Genomes Project 30x 0.00016; 1000 Genomes Project 0.00020; TOPMed 0.00020; gnomAD 0.00038; ExAC 0.00052.
gnomAD v4.1: 606 of 1,612,894 alleles (0.038%); highest among the groups gnomAD compares: Non-Finnish European, 0.037%; no homozygotes.

Submissions (2):

PreventionGenetics, part of Exact Sciences
Classification: Likely benign for BICC1-related condition. Last evaluated: 2025-11-02. Review status: criteria provided, single submitter. Criteria: ACMG Guidelines, 2015. Collection method: clinical testing. Allele origin: germline.
Comment: This variant is classified as likely benign based on ACMG/AMP sequence variant interpretation guidelines (Richards et al. 2015 PMID: 25741868, with internal and published modifications).

Labcorp Genetics (formerly Invitae), Labcorp
Classification: Likely benign. Last evaluated: 2023-10-03. Review status: criteria provided, single submitter. Criteria: Invitae Variant Classification Sherloc (09022015). Collection method: clinical testing. Allele origin: germline.

NM_001080512.3(BICC1):c.131C>T (p.Pro44Leu)

Gene: BICC1 (BicC family RNA binding protein 1; plus strand). Cytogenetic location: 10q21.1.
Variant type: single nucleotide variant.
Coding change: c.131C>T on transcript NM_001080512.3 (MANE Select); coding-DNA position 131, C replaced by T.
Protein change: p.Pro44Leu; replaces proline 44 with leucine.
Molecular consequence: missense variant.
Genome position (GRCh38, 1-based): chr10:58,513,274, C>T. VCF-style: chr10-58513274-C-T. GRCh37 (hg19) VCF-style: chr10-60273034-C-T.
Other names: c.131C>T (NM_001080512.2); short protein forms P44L.
Identifiers: ClinVar variation 2066224 (VCV002066224.5), dbSNP rs200248207, ClinGen allele CA5508128.